The following is an entry in ClinVar:

ClinVar aggregate classification (germline): Uncertain significance (1 of 4 stars; one submission).

Conditions:
Hereditary cancer-predisposing syndrome. Also called: Hereditary neoplastic syndrome; Neoplastic Syndromes, Hereditary; Tumor predisposition; Hereditary Cancer Syndrome. Identifiers: Orphanet 140162, MedGen C0027672, MeSH D009386, MONDO:0015356.

Submission:

Ambry Genetics
Classification: Uncertain significance for Hereditary cancer-predisposing syndrome. Last evaluated: 2025-08-27. Review status: criteria provided, single submitter. Criteria: Ambry Variant Classification Scheme 2023. Collection method: clinical testing. Allele origin: germline.
Comment: The p.S99R variant (also known as c.295A>C), located in coding exon 3 of the MUTYH gene, results from an A to C substitution at nucleotide position 295. The serine at codon 99 is replaced by arginine, an amino acid with dissimilar properties. This amino acid position is conserved. In addition, this alteration is predicted to be tolerated by in silico analysis. Based on the available evidence, the clinical significance of this variant remains unclear.

NM_001048174.2(MUTYH):c.211A>C (p.Ser71Arg)

Gene: MUTYH (mutY DNA glycosylase; minus strand). Cytogenetic location: 1p34.1.
Variant type: single nucleotide variant.
Coding change: c.211A>C on transcript NM_001048174.2 (MANE Select); coding-DNA position 211, A replaced by C.
Protein change: p.Ser71Arg; replaces serine 71 with arginine.
Molecular consequence: missense variant. On other transcripts: 5 prime UTR variant (6), non-coding transcript variant (7).
Genome position (GRCh38, 1-based): chr1:45,333,466, T>G on the plus strand (A>C on the coding strand, the complement: MUTYH is on the minus strand). VCF-style: chr1-45333466-T-G. GRCh37 (hg19) VCF-style: chr1-45799138-T-G.
Other names: c.253A>C, p.Ser85Arg (NM_001407083.1, NM_001407085.1, NM_001407073.1); c.214A>C, p.Ser72Arg (NM_001407086.1, NM_001048172.2, NM_001407071.1 and 2 more transcripts); c.232A>C, p.Ser78Arg (NM_001407087.1); c.211A>C, p.Ser71Arg (NM_001407088.1, NM_001407089.1, NM_001048171.2 and 6 more transcripts); c.295A>C, p.Ser99Arg (NM_001128425.2); c.256A>C, p.Ser86Arg (NM_001293190.2); c.244A>C, p.Ser82Arg (NM_001293191.2, NM_001407077.1); c.-66A>C (NM_001293192.2, NM_001293196.2, NM_001407091.1); and 3 more; short protein forms S72R, S78R, S96R, S43R, S86R, S71R, S82R, S85R.
Identifiers: ClinVar variation 4113585 (VCV004113585.1).